The following is an entry in ClinVar:

ClinVar aggregate classification (germline): Uncertain significance (1 of 4 stars; one submission).

Conditions:
Ataxia-telangiectasia syndrome (AT). Also called: Ataxia-telangiectasia, complementation group D; AT, COMPLEMENTATION GROUP C; ATAXIA-TELANGIECTASIA, COMPLEMENTATION GROUP A; ATAXIA-TELANGIECTASIA, FRESNO VARIANT; Ataxia-telangiectasia; Ataxia-telangiectasia, complementation group E. Identifiers: Orphanet 100, MedGen C0004135, MONDO:0008840, OMIM 208900.

Submission:

Labcorp Genetics (formerly Invitae), Labcorp
Classification: Uncertain significance for Ataxia-telangiectasia syndrome. Last evaluated: 2025-12-10. Review status: criteria provided, single submitter. Criteria: Invitae Variant Classification Sherloc (09022015). Collection method: clinical testing. Allele origin: germline.
Comment: This sequence change replaces leucine, which is neutral and non-polar, with serine, which is neutral and polar, at codon 1955 of the ATM protein (p.Leu1955Ser). This variant is not present in population databases (gnomAD no frequency). This variant has not been reported in the literature in individuals affected with ATM-related conditions. Invitae Evidence Modeling of protein sequence and biophysical properties (such as structural, functional, and spatial information, amino acid conservation, physicochemical variation, residue mobility, and thermodynamic stability) has been performed for this missense variant. However, the output from this modeling did not meet the statistical confidence thresholds required to predict the impact of this variant on ATM protein function. In summary, the available evidence is currently insufficient to determine the role of this variant in disease. Therefore, it has been classified as a Variant of Uncertain Significance.

NM_000051.4(ATM):c.5864T>C (p.Leu1955Ser)

Genes: ATM (ATM serine/threonine kinase; plus strand), C11orf65 (chromosome 11 open reading frame 65; minus strand). Cytogenetic location: 11q22.3.
Variant type: single nucleotide variant.
Coding change: c.5864T>C on transcript NM_000051.4 (MANE Select); coding-DNA position 5864, T replaced by C.
Protein change: p.Leu1955Ser; replaces leucine 1955 with serine.
Molecular consequence: missense variant. On other transcripts: intron variant (2).
Genome position (GRCh38, 1-based): chr11:108,310,261, T>C. VCF-style: chr11-108310261-T-C. GRCh37 (hg19) VCF-style: chr11-108180988-T-C.
Other names: c.5864T>C, p.Leu1955Ser (NM_001351834.2); c.641-1190A>G (NM_001330368.2); c.*39-1190A>G (NM_001351110.2); short protein forms L1955S.
Identifiers: ClinVar variation 4747234 (VCV004747234.1).